The following is an entry in ClinVar:

NM_001039396.2(MPEG1):c.1092G>T (p.Thr364=)

Gene: MPEG1 (macrophage expressed 1; minus strand). Cytogenetic location: 11q12.1.
Variant type: single nucleotide variant.
Coding change: c.1092G>T on transcript NM_001039396.2 (MANE Select); coding-DNA position 1092, G replaced by T.
Protein change: p.Thr364=; no amino-acid change (threonine 364 retained).
Molecular consequence: synonymous variant.
Genome position (GRCh38, 1-based): chr11:59,211,774, C>A on the plus strand (G>T on the coding strand, the complement: MPEG1 is on the minus strand). VCF-style: chr11-59211774-C-A. GRCh37 (hg19) VCF-style: chr11-58979247-C-A.
Identifiers: ClinVar variation 4872628 (VCV004872628.2).

ClinVar aggregate classification (germline): Likely benign (1 of 4 stars; one submission).

gnomAD v4.1: 71 of 1,614,154 alleles (0.0044%); highest among the groups gnomAD compares: Middle Eastern, 0.12%; no homozygotes.

Submission:

CeGaT Center for Human Genetics Tuebingen
Classification: Likely benign. Last evaluated: 2026-06-01. Review status: criteria provided, single submitter. Criteria: CeGaT Center For Human Genetics Tuebingen Variant Classification Criteria Version 2. Collection method: clinical testing. Allele origin: germline. Affected: yes. Observed: 1 variant allele.
Comment: MPEG1: BP4, BP7